The following is an entry in ClinVar:

NM_001367624.2(ZNF469):c.5173C>T (p.Pro1725Ser)

Gene: ZNF469 (zinc finger protein 469; plus strand). Cytogenetic location: 16q24.2.
Variant type: single nucleotide variant.
Coding change: c.5173C>T on transcript NM_001367624.2 (MANE Select); coding-DNA position 5173, C replaced by T.
Protein change: p.Pro1725Ser; replaces proline 1725 with serine.
Molecular consequence: missense variant.
Genome position (GRCh38, 1-based): chr16:88,432,643, C>T. VCF-style: chr16-88432643-C-T. GRCh37 (hg19) VCF-style: chr16-88499051-C-T.
Other names: NM_001127464.1:c.5089C>T; short protein forms P1725S.
Identifiers: ClinVar variation 1956691 (VCV001956691.4), dbSNP rs1906282062, ClinGen allele CA397095651.

ClinVar aggregate classification (germline): Uncertain significance. Review status: criteria provided, multiple submitters, no conflicts (2 of 4 stars). 3 submissions from 3 submitters: Uncertain significance (3). Last evaluated 2024-05-04.

Conditions:
Cardiovascular phenotype. Identifiers: MedGen CN230736.

Allele frequency attached by ClinVar (database versions not stated): gnomAD exomes below 0.00001.
gnomAD v4.1: 3 of 1,550,310 alleles (0.00019%); highest among the groups gnomAD compares: Non-Finnish European, 0.00017%; no homozygotes.

Submissions (3):

Ambry Genetics
Classification: Uncertain significance for Cardiovascular phenotype. Last evaluated: 2024-05-04. Review status: criteria provided, single submitter. Criteria: Ambry Variant Classification Scheme 2023. Collection method: clinical testing. Allele origin: germline.
Comment: The p.P1697S variant (also known as c.5089C>T), located in coding exon 2 of the ZNF469 gene, results from a C to T substitution at nucleotide position 5089. The proline at codon 1697 is replaced by serine, an amino acid with similar properties. This amino acid position is conserved. In addition, this alteration is predicted to be tolerated by in silico analysis. Based on the available evidence, the clinical significance of this variant remains unclear.

GeneDx
Classification: Uncertain significance. Last evaluated: 2023-05-25. Review status: criteria provided, single submitter. Criteria: GeneDx Variant Classification Process June 2021. Collection method: clinical testing. Allele origin: germline. Affected: yes.
Comment: Has not been previously published as pathogenic or benign to our knowledge; Not observed at significant frequency in large population cohorts (gnomAD); In silico analysis supports that this missense variant does not alter protein structure/function

Labcorp Genetics (formerly Invitae), Labcorp
Classification: Uncertain significance. Last evaluated: 2022-08-31. Review status: criteria provided, single submitter. Criteria: Invitae Variant Classification Sherloc (09022015). Collection method: clinical testing. Allele origin: germline.
Comment: This sequence change replaces proline, which is neutral and non-polar, with serine, which is neutral and polar, at codon 1697 of the ZNF469 protein (p.Pro1697Ser). This variant is not present in population databases (gnomAD no frequency). This variant has not been reported in the literature in individuals affected with ZNF469-related conditions. Algorithms developed to predict the effect of missense changes on protein structure and function output the following: SIFT: "Tolerated"; PolyPhen-2: "Benign"; Align-GVGD: "Class C0". The serine amino acid residue is found in multiple mammalian species, which suggests that this missense change does not adversely affect protein function. In summary, the available evidence is currently insufficient to determine the role of this variant in disease. Therefore, it has been classified as a Variant of Uncertain Significance.